The following is an entry in ClinVar:

NM_144991.3(TSPEAR):c.1653G>T (p.Glu551Asp)

Genes: TSPEAR (thrombospondin type laminin G domain and EAR repeats; minus strand), TSPEAR-AS1 (TSPEAR antisense RNA 1; plus strand), LOC126653398 (CDK7 strongly-dependent group 2 enhancer GRCh37_chr21:45928270-45929469; plus strand). Cytogenetic location: 21q22.3.
Variant type: single nucleotide variant.
Coding change: c.1653G>T on transcript NM_144991.3 (MANE Select); coding-DNA position 1653, G replaced by T.
Protein change: p.Glu551Asp; replaces glutamic acid 551 with aspartic acid.
Molecular consequence: missense variant. On other transcripts: non-coding transcript variant (1).
Genome position (GRCh38, 1-based): chr21:44,509,300, C>A on the plus strand (G>T on the coding strand, the complement: TSPEAR is on the minus strand). VCF-style: chr21-44509300-C-A. GRCh37 (hg19) VCF-style: chr21-45929183-C-A.
Other names: c.1449G>T, p.Glu483Asp (NM_001272037.2); short protein forms E551D, E483D.
Identifiers: ClinVar variation 2016538 (VCV002016538.4), dbSNP rs2052288268, ClinGen allele CA410432084.

ClinVar aggregate classification (germline): Uncertain significance (1 of 4 stars; one submission).

Allele frequency attached by ClinVar (database versions not stated): gnomAD exomes 0.00001; TOPMed 0.00001.
gnomAD v4.1: 11 of 1,614,140 alleles (0.00068%); highest among the groups gnomAD compares: Non-Finnish European, 0.00093%; no homozygotes.

Submission:

Labcorp Genetics (formerly Invitae), Labcorp
Classification: Uncertain significance. Last evaluated: 2022-07-13. Review status: criteria provided, single submitter. Criteria: Invitae Variant Classification Sherloc (09022015). Collection method: clinical testing. Allele origin: germline.
Comment: This sequence change replaces glutamic acid, which is acidic and polar, with aspartic acid, which is acidic and polar, at codon 551 of the TSPEAR protein (p.Glu551Asp). This variant is not present in population databases (gnomAD no frequency). This variant has not been reported in the literature in individuals affected with TSPEAR-related conditions. Algorithms developed to predict the effect of missense changes on protein structure and function (SIFT, PolyPhen-2, Align-GVGD) all suggest that this variant is likely to be tolerated. In summary, the available evidence is currently insufficient to determine the role of this variant in disease. Therefore, it has been classified as a Variant of Uncertain Significance.